The following is an entry in ClinVar:

ClinVar aggregate classification (germline): Uncertain significance (1 of 4 stars; one submission).

Conditions:
Tuberous sclerosis 2 (TSC2). Identifiers: Orphanet 805, MedGen C1860707, MONDO:0013199, OMIM 613254.

Submission:

Labcorp Genetics (formerly Invitae), Labcorp
Classification: Uncertain significance for Tuberous sclerosis 2. Last evaluated: 2025-12-10. Review status: criteria provided, single submitter. Criteria: Invitae Variant Classification Sherloc (09022015). Collection method: clinical testing. Allele origin: germline.
Comment: This sequence change replaces alanine, which is neutral and non-polar, with tyrosine, which is neutral and polar, at codon 1759 of the TSC2 protein (p.Ala1759Tyr). Information on the frequency of this variant in the gnomAD database is not available, as this variant may be reported differently in the database. This variant has not been reported in the literature in individuals affected with TSC2-related conditions. An algorithm developed to predict the effect of missense changes on protein structure and function (PolyPhen-2) suggests that this variant is likely to be tolerated. In summary, the available evidence is currently insufficient to determine the role of this variant in disease. Therefore, it has been classified as a Variant of Uncertain Significance.

NM_000548.5(TSC2):c.5275_5276delinsTA (p.Ala1759Tyr)

Gene: TSC2 (TSC complex subunit 2; plus strand). Cytogenetic location: 16p13.3.
Variant type: Indel.
Coding change: c.5275_5276delinsTA on transcript NM_000548.5 (MANE Select); coding-DNA positions 5275 to 5276, GC replaced by TA.
Protein change: p.Ala1759Tyr; replaces alanine 1759 with tyrosine.
Molecular consequence: missense variant. On other transcripts: non-coding transcript variant (5).
Genome position (GRCh38, 1-based): chr16:2,088,461-2,088,462, GC replaced by TA. VCF-style: chr16-2088461-GC-TA. GRCh37 (hg19) VCF-style: chr16-2138462-GC-TA.
Other names: c.5095_5096delinsTA, p.Ala1699Tyr (NM_001406670.1); c.5065_5066delinsTA, p.Ala1689Tyr (NM_001406671.1); c.5062_5063delinsTA, p.Ala1688Tyr (NM_001406673.1); c.5059_5060delinsTA, p.Ala1687Tyr (NM_001406675.1); c.5056_5057delinsTA, p.Ala1686Tyr (NM_001406676.1); c.5017_5018delinsTA, p.Ala1673Tyr (NM_001406677.1); c.4963_4964delinsTA, p.Ala1655Tyr (NM_001406678.1); c.4927_4928delinsTA, p.Ala1643Tyr (NM_001406679.1); and 27 more; short protein forms A1267Y, A1268Y, A1515Y, A1535Y, A1656Y, A1688Y, A1689Y, A1735Y.
Identifiers: ClinVar variation 4732967 (VCV004732967.1).
Genomic context (GRCh38, chr16:2,088,461, plus strand): 5'-TGCCACGCCTCCCAGACTTACTGCCCAAGCCGCCTCTGCCTTCAGATCTGCGAGGAAGCC[GC>TA]CTACTCCAACCCCAGCCTACCTCTGGTGCACCCTCCGTCCCATAGCAAAGCCCCTGCACA-3'
Protein context (NP_000539.2, residues 1749-1769): RLRQRICEEA[Ala1759Tyr]YSNPSLPLVH